The following is an entry in ClinVar:

NM_000081.4(LYST):c.7368T>C (p.Asn2456=)

Gene: LYST (lysosomal trafficking regulator; minus strand). Cytogenetic location: 1q42.3.
Variant type: single nucleotide variant.
Coding change: c.7368T>C on transcript NM_000081.4 (MANE Select); coding-DNA position 7368, T replaced by C.
Protein change: p.Asn2456=; no amino-acid change (asparagine 2456 retained).
Molecular consequence: synonymous variant.
Genome position (GRCh38, 1-based): chr1:235,753,136, A>G on the plus strand (T>C on the coding strand, the complement: LYST is on the minus strand). VCF-style: chr1-235753136-A-G. GRCh37 (hg19) VCF-style: chr1-235916436-A-G.
Other names: p.Asn2456=; c.7368T>C, p.Asn2456= (NM_001301365.1).
Identifiers: ClinVar variation 296382 (VCV000296382.23), dbSNP rs199631995, ClinGen allele CA1466156.
Genomic context (GRCh38, chr1:235,753,136, plus strand): 5'-ATTACATAACACATAGAGTAGACCATTATCCAGCAACATATCTGCTACCTTAGAACAAGA[A>G]TTTAAAATTTGGAGAAGAAGTAAAAGAGCATTATGCAAGAGTATGTTGTCATATAGAGAG-3'
Protein context (NP_000072.2, residues 2446-2466): NALLLLLQIL[Asn2456=]SCSKVADMLL

ClinVar aggregate classification (germline): Likely benign. Review status: criteria provided, multiple submitters, no conflicts (2 of 4 stars). 5 submissions from 5 submitters: Likely benign (5). Last evaluated 2026-01-27.

Conditions:
Chédiak-Higashi syndrome (CHS). Also called: Chediak-Higashi Syndrome. Identifiers: Orphanet 167, MedGen C0007965, MONDO:0008963, OMIM 214500.

Allele frequency attached by ClinVar (database versions not stated): 1000 Genomes Project 0.00060; 1000 Genomes Project 30x 0.00078; gnomAD 0.00026 and 0.00028; gnomAD exomes 0.00026 and 0.00048; TOPMed 0.00028; ExAC 0.00031; ESP Exome Variant Server 0.00046.
gnomAD v4.1: 752 of 1,610,182 alleles (0.047%); highest among the groups gnomAD compares: Non-Finnish European, 0.058%; 1 homozygote.

Submissions (5):

Labcorp Genetics (formerly Invitae), Labcorp
Classification: Likely benign for Chédiak-Higashi syndrome. Last evaluated: 2026-01-27. Review status: criteria provided, single submitter. Criteria: Invitae Variant Classification Sherloc (09022015). Collection method: clinical testing. Allele origin: germline.

Mayo Clinic Laboratories, Mayo Clinic
Classification: Likely benign. Last evaluated: 2025-10-10. Review status: criteria provided, single submitter. Criteria: ACMG Guidelines, 2015. Collection method: clinical testing. Allele origin: germline. Observed: 4 variant alleles.
Comment: BP4, BP7

Blueprint Genetics
Classification: Likely benign. Last evaluated: 2024-11-08. Review status: criteria provided, single submitter. Criteria: ACMG Guidelines, 2015. Collection method: clinical testing. Allele origin: germline.

Women's Health and Genetics/Laboratory Corporation of America, LabCorp
Classification: Likely benign. Last evaluated: 2024-03-27. Review status: criteria provided, single submitter. Criteria: LabCorp Variant Classification Summary - May 2015. Collection method: clinical testing. Allele origin: germline.

Genetic Services Laboratory, University of Chicago
Classification: Likely benign. Last evaluated: 2016-06-28. Review status: criteria provided, single submitter. Criteria: ACMG Guidelines, 2015. Collection method: clinical testing. Allele origin: germline. Affected: no.